The following is an entry in ClinVar:

NM_001005242.3(PKP2):c.2440AAG[1] (p.Lys815del)

Gene: PKP2 (plakophilin 2; minus strand). Cytogenetic location: 12p11.21.
Variant type: Microsatellite.
Coding change: c.2440AAG[1] on transcript NM_001005242.3 (MANE Select); one copy of the 3-base unit AAG starting at c.2440; the reference has two copies in a row; one copy, 3 bases deleted.
Protein change: p.Lys815del; deletes lysine 815.
Genome position (GRCh38, 1-based): chr12:32,792,644-32,792,646, CTT deleted on the plus strand (AAG on the coding strand, the reverse complement: PKP2 is on the minus strand); deleting any 3 consecutive bases within chr12:32,792,644-32,792,649 gives the same sequence; the position shown is the placement nearest the transcript's 3' end. VCF-style (leftmost placement, unchanged base first): chr12-32792643-CCTT-C. GRCh37 (hg19) VCF-style: chr12-32945577-CCTT-C.
Other names: c.2250AAG[1], p.Arg752del (NM_001407155.1); c.2275AAG[1], p.Lys760del (NM_001407156.1); c.2113AAG[1], p.Lys706del (NM_001407158.1, NM_001407159.1); c.1923AAG[1], p.Arg643del (NM_001407160.1); c.2572AAG[1], p.Lys859del (NM_004572.4); short protein forms K706del, R643del, K760del, K859del, R752del, K815del.
Identifiers: ClinVar variation 3724441 (VCV003724441.2).

ClinVar aggregate classification (germline): Uncertain significance (1 of 4 stars; one submission).

Conditions:
Arrhythmogenic right ventricular dysplasia 9 (ARVD9). Also called: Arrhythmogenic Right Ventricular Dysplasia/Cardiomyopathy 9; ARRHYTHMOGENIC RIGHT VENTRICULAR DYSPLASIA, FAMILIAL, 9. Identifiers: MedGen C1836906, MONDO:0012180, OMIM 609040.

Submission:

Labcorp Genetics (formerly Invitae), Labcorp
Classification: Uncertain significance for Arrhythmogenic right ventricular dysplasia 9. Last evaluated: 2025-12-06. Review status: criteria provided, single submitter. Criteria: Invitae Variant Classification Sherloc (09022015). Collection method: clinical testing. Allele origin: germline.
Comment: This variant, c.2575_2577del, results in the deletion of 1 amino acid(s) of the PKP2 protein (p.Lys859del), but otherwise preserves the integrity of the reading frame. This variant is not present in population databases (gnomAD no frequency). This variant has not been reported in the literature in individuals affected with PKP2-related conditions. Algorithms developed to predict the effect of sequence changes on RNA splicing suggest that this variant may disrupt the consensus splice site. In summary, the available evidence is currently insufficient to determine the role of this variant in disease. Therefore, it has been classified as a Variant of Uncertain Significance.